The following is an entry in ClinVar:

ClinVar aggregate classification (germline): Pathogenic (1 of 4 stars; one submission).

Conditions:
T-B+ severe combined immunodeficiency due to JAK3 deficiency. Also called: SCID, T CELL-NEGATIVE, B CELL-POSITIVE, NK CELL-NEGATIVE; SCID, autosomal recessive, T-negative/B-positive type. Identifiers: Orphanet 35078, MedGen C1833275, MONDO:0010938, OMIM 600802.

Submission:

Labcorp Genetics (formerly Invitae), Labcorp
Classification: Pathogenic for T-B+ severe combined immunodeficiency due to JAK3 deficiency. Last evaluated: 2023-06-15. Review status: criteria provided, single submitter. Criteria: Invitae Variant Classification Sherloc (09022015). Collection method: clinical testing. Allele origin: germline.
Comment: For these reasons, this variant has been classified as Pathogenic. This sequence change creates a premature translational stop signal (p.Leu851Argfs*4) in the JAK3 gene. It is expected to result in an absent or disrupted protein product. Loss-of-function variants in JAK3 are known to be pathogenic (PMID: 7481768, 11668621). This variant is not present in population databases (gnomAD no frequency). This variant has not been reported in the literature in individuals affected with JAK3-related conditions.

Literature cited by the submitters: PubMed 7481768; PubMed 11668621.

NM_000215.4(JAK3):c.2552del (p.Leu851fs)

Gene: JAK3 (Janus kinase 3; minus strand). Cytogenetic location: 19p13.11.
Variant type: Deletion.
Coding change: c.2552del on transcript NM_000215.4 (MANE Select); coding-DNA position 2552, one base deleted (T; older notation c.2552delT).
Protein change: p.Leu851fs; shifts the reading frame from leucine 851.
Molecular consequence: frameshift variant.
Genome position (GRCh38, 1-based): chr19:17,832,647, A deleted on the plus strand (T on the coding strand, the reverse complement: JAK3 is on the minus strand). VCF-style (leftmost placement, unchanged base first): chr19-17832646-CA-C. GRCh37 (hg19) VCF-style: chr19-17943455-CA-C.
Other names: short protein forms L851fs.
Identifiers: ClinVar variation 2848353 (VCV002848353.3), dbSNP rs2514549645, ClinGen allele CA923726374.
Genomic context (GRCh38, chr19:17,832,646, plus strand): 5'-CTCCCGCTGAAAGTCCCTCTGCTGGTCTGGCCCGCTGTGCTGCAGCTGTTTCACGGCCAC[CA>C]GGGCACCTGTATTGTCGCCTAGCGGGTCATAGCGGCACAGCTCCACGCTGCCAAAGTTGC-3'